The following is an entry in ClinVar:

ClinVar aggregate classification (germline): Uncertain significance (1 of 4 stars; one submission).

Submission:

CeGaT Center for Human Genetics Tuebingen
Classification: Uncertain significance. Last evaluated: 2024-10-01. Review status: criteria provided, single submitter. Criteria: CeGaT Center For Human Genetics Tuebingen Variant Classification Criteria Version 2. Collection method: clinical testing. Allele origin: germline. Affected: yes. Observed: 1 variant allele.
Comment: TULP4: PM2

NM_020245.5(TULP4):c.3457_3458del (p.Leu1153fs)

Gene: TULP4 (TUB like protein 4; plus strand). Cytogenetic location: 6q25.3.
Variant type: Microsatellite.
Coding change: c.3457_3458del on transcript NM_020245.5 (MANE Select); coding-DNA positions 3457 to 3458, 2 bases deleted (CT; older notation c.3457_3458delCT).
Protein change: p.Leu1153fs; shifts the reading frame from leucine 1153.
Molecular consequence: frameshift variant. On other transcripts: intron variant (1).
Genome position (GRCh38, 1-based): chr6:158,503,120-158,503,121, CT deleted; deleting any 2 consecutive bases within chr6:158,503,116-158,503,121 gives the same sequence; the c. name uses the placement nearest the transcript's 3' end. VCF-style (leftmost placement, unchanged base first): chr6-158503115-CCT-C. GRCh37 (hg19) VCF-style: chr6-158924147-CCT-C.
Other names: c.2015-3462CT[2] (NM_001007466.3); short protein forms L1153fs.
Identifiers: ClinVar variation 3389853 (VCV003389853.14).